The following continues an entry in ClinVar:

NM_000059.4(BRCA2):c.9371A>T (p.Asn3124Ile)

Gene: BRCA2. ClinVar aggregate classification (germline): Pathogenic. Pathogenic (1).

Submissions 9 to 16 of 48:

ARUP Laboratories, Molecular Genetics and Genomics, ARUP Laboratories
Classification: Pathogenic. Last evaluated: 2025-06-26. Review status: criteria provided, single submitter. Criteria: ARUP Molecular Germline Variant Investigation Process 2024. Collection method: clinical testing. Allele origin: germline. Not counted in ClinVar's aggregate classification.
Comment: The BRCA2 c.9371A>T; p.Asn3124Ile variant (rs28897759; ClinVar Variation ID: 38233), also known as 9599A>T, is reported in the literature in numerous individuals with a clinical and/or family history consistent with hereditary breast and ovarian cancer syndrome (Akbari 2011, Balabas 2010, Grigore 2024, Grzybowska 2000, Kwiatkowska 2001, Meindl 2002, Pal 2005, Stegel 2011, Surowy 2014, Wojcik 2016) and is suggested to be a founder variant in the Polish population (Kluska 2015). This variant is only observed on one allele in the Genome Aggregation Database (v2.1.1), indicating it is not a common polymorphism. Computational analyses predict that this variant is deleterious (REVEL: 0.828). Consistent with predictions, functional studies suggest the variant protein has impaired homology-directed repair activity (Guidugli 2013) and is unable to rescue BRCA2-null cells similar to wildtype BRCA2 (Biswas 2012). Based on available information, this variant is considered pathogenic. References: Akbari MR et al. Clinical impact of unclassified variants of the BRCA1 and BRCA2 genes. J Med Genet. 2011 Nov;48(11):783-6. PMID: 21965345. Balabas A et al. Novel germline mutations in BRCA2 gene among breast and breast-ovarian cancer families from Poland. Fam Cancer. 2010 Sep;9(3):267-74. PMID: 20383589. Biswas K et al. Functional evaluation of BRCA2 variants mapping to the PALB2-binding and C-terminal DNA-binding domains using a mouse ES cell-based assay. Hum Mol Genet. 2012 Sep 15;21(18):3993-4006. PMID: 22678057. Grigore LG et al. The Molecular Detection of Germline Mutations in the BRCA1 and BRCA2 Genes Associated with Breast and Ovarian Cancer in a Romanian Cohort of 616 Patients. Curr Issues Mol Biol. 2024 May 12;46(5):4630-4645. PMID: 38785549. Grzybowska E et al. High frequency of recurrent mutations in BRCA1 and BRCA2 genes in Polish families with breast and ovarian cancer. Hum Mutat. 2000 Dec;16(6):482-90. PMID: 11102977. Guidugli L et al. A classification model for BRCA2 DNA binding domain missense variants based on homology-directed repair activity. Cancer Res. 2013 Jan 1;73(1):265-75. PMID: 23108138. Kluska A et al. New recurrent BRCA1/2 mutations in Polish patients with familial breast/ovarian cancer detected by next generation sequencing. BMC Med Genomics. 2015 May 7;8:19. PMID: 25948282. Kwiatkowska E et al. BRCA2 germline mutations in male breast cancer patients in the Polish population. Hum Mutat. 2001;17(1):73. PMID: 11139248. Meindl A et al. Comprehensive analysis of 989 patients with breast or ovarian cancer provides BRCA1 and BRCA2 mutation profiles and frequencies for the German population. Int J Cancer. 2002 Feb 1;97(4):472-80. PMID: 11802209. Pal T et al. BRCA1 and BRCA2 mutations account for a large proportion of ovarian carcinoma cases. Cancer. 2005 Dec 15;104(12):2807-16. PMID: 16284991. Stegel V et al. The occurrence of germline BRCA1 and BRCA2 sequence alterations in Slovenian population. BMC Med Genet. 2011 Jan 14;12:9. PMID: 21232165. Surowy HM et al. Clinical and molecular characterization of the BRCA2 p.Asn3124Ile variant reveals substantial evidence for pathogenic significance. Breast Cancer Res Treat. 2014 Jun;145(2):451-60. PMID: 24728577. Wojcik P et al. Recurrent mutations of BRCA1, BRCA2 and PALB2 in the population of breast and ovarian cancer patients in Southern Poland. Hered Cancer Clin Pract. 2016 Feb 3;14:5. PMID: 26843898.

Institute of Human Genetics, FAU Erlangen, Friedrich-Alexander-Universität Erlangen-Nürnberg
Classification: Pathogenic. Last evaluated: 2025-06-20. Review status: criteria provided, single submitter. Criteria: Hauer et al. (Genet Med. 2018). Collection method: clinical testing. Allele origin: germline. Inheritance: Unknown mechanism. Affected: yes. Observed: 1 variant allele. Not counted in ClinVar's aggregate classification.
Comment: This variant has been identified by standard clinical testing.

Color Diagnostics, LLC DBA Color Health
Classification: Pathogenic for Hereditary cancer-predisposing syndrome. Last evaluated: 2025-04-07. Review status: criteria provided, single submitter. Criteria: ACMG Guidelines, 2015. Collection method: clinical testing. Allele origin: germline. Not counted in ClinVar's aggregate classification.
Comment: This missense variant replaces asparagine with isoleucine at codon 3124 in the DNA binding domain of the BRCA2 protein. Computational prediction suggests that this variant may have deleterious impact on protein structure and function. Functional studies have shown that the variant impacts BRCA2 activities in homology-directed DNA repair assays (PMID: 22678057, 23108138, 29394989, 29988080, 33609447, 35736817), in sensitivity assays to PARP inhibitors, cisplatin and carboplatin (PMID: 32444794, 37922907) and in a haploid cell proliferation assay (PMID: 39779857). This variant has been reported in more than 20 individuals affected with breast cancer and ovarian cancer (PMID: 11102977, 11139248, 11802209, 20383589, 21232165, 21965345, 22366370, 24728577, 26786923, 26843898, 27616075, 30040829, 34399810). This variant has shown a significant association with breast cancer in a large case-control study conducted by the BRIDGES consortium (14/60466 cases, 1/53461 controls; OR=12.381 (95%CI 1.628 to 94.157); p-value=0.001; Leiden Open Variation Database DB-ID BRCA2_000450). Multifactorial analyses have reported likelihood ratios for pathogenicity based on segregation, tumor pathology, co-occurrence with a pathogenic variant and personal and family history for 8 carriers that resulted in a combined LR well in excess of 1,000 (PMID: 31131967, 31853058). This variant has been identified in 1/251346 chromosomes in the general population by the Genome Aggregation Database (gnomAD). Based on the available evidence, this variant is classified as Pathogenic.

Center for Genomic Medicine, Rigshospitalet, Copenhagen University Hospital
Classification: Pathogenic. Last evaluated: 2025-03-04. Review status: criteria provided, single submitter. Criteria: ACMG Guidelines, 2015. Collection method: clinical testing. Allele origin: germline. Not counted in ClinVar's aggregate classification.

Institute of Human Genetics, University of Leipzig Medical Center
Classification: Pathogenic for Breast-ovarian cancer, familial, susceptibility to, 1. Last evaluated: 2025-03-04. Review status: criteria provided, single submitter. Criteria: ACMG Guidelines, 2015. Collection method: clinical testing. Allele origin: unknown. Inheritance: Autosomal dominant inheritance. Affected: yes. Not counted in ClinVar's aggregate classification.
Comment: Criteria applied: PP4_VSTR,PS3

Blueprint Genetics
Classification: Pathogenic for BRCA2-related disorders. Last evaluated: 2024-10-31. Review status: criteria provided, single submitter. Criteria: ACMG Guidelines, 2015. Collection method: clinical testing. Allele origin: germline. Affected: yes. Observed: 5 variant alleles. Not counted in ClinVar's aggregate classification.

Department of Human Genetics, Hannover Medical School
Classification: Pathogenic for Breast-ovarian cancer, familial, susceptibility to, 2. Last evaluated: 2024-09-10. Review status: criteria provided, single submitter. Criteria: ACMG Guidelines, 2015. Collection method: clinical testing. Allele origin: germline. Inheritance: Autosomal dominant inheritance. Affected: yes. Not counted in ClinVar's aggregate classification.

Ambry Genetics
Classification: Pathogenic for Hereditary cancer-predisposing syndrome. Last evaluated: 2024-08-26. Review status: criteria provided, single submitter. Criteria: Ambry Variant Classification Scheme 2023. Collection method: clinical testing. Allele origin: germline. Not counted in ClinVar's aggregate classification.
Comment: The p.N3124I pathogenic mutation (also known as c.9371A>T), located in coding exon 24 of the BRCA2 gene, results from an A to T substitution at nucleotide position 9371. The asparagine at codon 3124 is replaced by isoleucine, an amino acid with dissimilar properties. This alteration has been predicted to be pathogenic based on cell-based functional assays (Biswas K et al. Hum. Mol. Genet. 2012 Sep;21:3993-4006; Guidugli L et al. Cancer Res. 2013 Jan;73:265-75). This alteration has been described in several high risk breast and ovarian cancer families and in cohorts of individuals with ovarian cancer (Grzybowska E et al. Hum. Mutat. 2000 Dec;16:482-90; Kwiatkowska E et al. Hum. Mutat. 2001;17:73; Pal T et al. Cancer. 2005 Dec;104:2807-16; Balabas A et al. Fam. Cancer. 2010 Sep;9:267-74; Stegel V et al. BMC Med. Genet. 2011 Jan;12:9; Akbari MR et al. J. Med. Genet. 2011 Nov;48:783-6; Surowy HM et al. Breast Cancer Res. Treat. 2014 Jun;145:451-60; Couch FJ et al. J. Clin. Oncol. 2015 Feb;33:304-11; Kluska A et al. BMC Med Genomics 2015 May;8:19; Wojcik P et al. Hered. Cancer Clin. Pract. 2016 Feb;14:5; Thompson ER et al. J. Clin. Oncol. 2016 May;34:1455-9; Alemar B et al. PLoS One, 2017 Nov;12:e0187630; Meisel C et al. Arch Gynecol Obstet. 2017 May;295(5):1227-1238; Goidescu IG et al. Clujul Med, 2018 Apr;91:157-165; Kowalik A et al. PLoS One, 2018 Jul;13:e0201086; Lowery MA et al. J Natl Cancer Inst, 2018 10;110:1067-1074; Rebbeck TR et al. Hum Mutat, 2018 05;39:593-620). Of note, this alteration is also designated as 9599A>T in published literature. This amino acid position is highly conserved in available vertebrate species. In addition, this alteration is predicted to be deleterious by in silico analysis. Based on the supporting evidence, this variant is interpreted as a disease-causing mutation.